The following is an entry in ClinVar:

ClinVar aggregate classification (germline): Benign/Likely benign. Review status: criteria provided, multiple submitters, no conflicts (2 of 4 stars). 20 submissions from 13 submitters: Benign (14); Likely benign (4). 2 of the submissions do not count toward it. Last evaluated 2026-02-03.

Conditions:
Autosomal recessive limb-girdle muscular dystrophy type 2J (LGMDR10). Also called: Limb-girdle muscular dystrophy, type 2J; MUSCULAR DYSTROPHY, LIMB-GIRDLE, AUTOSOMAL RECESSIVE 10. Identifiers: Orphanet 140922, MedGen C1837342, MONDO:0012127, OMIM 608807.
Dilated cardiomyopathy 1G (CMD1G). Identifiers: Orphanet 154, MedGen C1858763, MONDO:0011400, OMIM 604145.
Early-onset myopathy with fatal cardiomyopathy (CMYO5). Also called: Salih Myopathy; CONGENITAL MYOPATHY 5 WITH CARDIOMYOPATHY. Identifiers: Orphanet 289377, MedGen C2673677, MONDO:0012714, OMIM 611705. Disease mechanism: loss of function.
Myopathy, myofibrillar, 9, with early respiratory failure (MFM9). Also called: EDSTROM MYOPATHY; MYOPATHY, PROXIMAL, WITH EARLY RESPIRATORY MUSCLE INVOLVEMENT; Hereditary myopathy with early respiratory failure; Myopathy, distal, with early respiratory failure, autosomal dominant. Identifiers: Orphanet 178464, Orphanet 34521, MedGen C1863599, MONDO:0011362, OMIM 603689.
Tibial muscular dystrophy (TMD). Also called: Udd Distal Myopathy – Tibial Muscular Dystrophy; UDD MYOPATHY; Tibial muscular dystrophy, tardive. Identifiers: Orphanet 609, MedGen C1838244, MONDO:0010870, OMIM 600334.

Allele frequency attached by ClinVar (database versions not stated): 1000 Genomes Project 0.00599; gnomAD 0.00653 and 0.00701; 1000 Genomes Project 30x 0.00656; TOPMed 0.00726; ESP Exome Variant Server 0.00805; gnomAD exomes 0.00058 and 0.00157; ExAC 0.00196.
gnomAD v4.1: 1,850 of 1,613,646 alleles (0.11%); highest among the groups gnomAD compares: African/African-American, 2.3%; 26 homozygotes.

Submissions (20):

Labcorp Genetics (formerly Invitae), Labcorp
Classification: Benign for Dilated cardiomyopathy 1G; Autosomal recessive limb-girdle muscular dystrophy type 2J. Last evaluated: 2026-02-03. Review status: criteria provided, single submitter. Criteria: Invitae Variant Classification Sherloc (09022015). Collection method: clinical testing. Allele origin: germline.

Molecular Diagnostic Laboratory for Inherited Cardiovascular Disease, Montreal Heart Institute
Classification: Benign. Last evaluated: 2025-04-09. Review status: criteria provided, single submitter. Criteria: ACMG Guidelines, 2015. Collection method: clinical testing. Allele origin: germline. Affected: no.

ARUP Laboratories, Molecular Genetics and Genomics, ARUP Laboratories
Classification: Benign. Last evaluated: 2025-03-21. Review status: criteria provided, single submitter. Criteria: ARUP Molecular Germline Variant Investigation Process 2024. Collection method: clinical testing. Allele origin: germline.

Blueprint Genetics
Classification: Likely benign. Last evaluated: 2024-11-13. Review status: criteria provided, single submitter. Criteria: ACMG Guidelines, 2015. Collection method: clinical testing. Allele origin: germline.

Genome-Nilou Lab
Classification: Benign for Autosomal recessive limb-girdle muscular dystrophy type 2J. Last evaluated: 2021-09-10. Review status: criteria provided, single submitter. Criteria: ACMG Guidelines, 2015. Collection method: clinical testing. Allele origin: germline. Affected: no.

Genome-Nilou Lab
Classification: Benign for Myopathy, myofibrillar, 9, with early respiratory failure. Last evaluated: 2021-09-10. Review status: criteria provided, single submitter. Criteria: ACMG Guidelines, 2015. Collection method: clinical testing. Allele origin: germline. Affected: no.

Genome-Nilou Lab
Classification: Benign for Early-onset myopathy with fatal cardiomyopathy. Last evaluated: 2021-09-10. Review status: criteria provided, single submitter. Criteria: ACMG Guidelines, 2015. Collection method: clinical testing. Allele origin: germline. Affected: no.

Genome-Nilou Lab
Classification: Benign for Tibial muscular dystrophy. Last evaluated: 2021-09-10. Review status: criteria provided, single submitter. Criteria: ACMG Guidelines, 2015. Collection method: clinical testing. Allele origin: germline. Affected: no.

Women's Health and Genetics/Laboratory Corporation of America, LabCorp
Classification: Benign. Last evaluated: 2020-08-08. Review status: criteria provided, single submitter. Criteria: LabCorp Variant Classification Summary - May 2015. Collection method: clinical testing. Allele origin: germline.

Athena Diagnostics
Classification: Benign. Last evaluated: 2019-11-12. Review status: criteria provided, single submitter. Criteria: Athena Diagnostics Criteria. Collection method: clinical testing. Allele origin: unknown.

Mayo Clinic Laboratories, Mayo Clinic
Classification: Benign. Last evaluated: 2018-04-04. Review status: criteria provided, single submitter. Criteria: ACMG Guidelines, 2015. Collection method: clinical testing. Allele origin: germline. Observed: 11 variant alleles.

Illumina Laboratory Services, Illumina
Classification: Benign for Tibial muscular dystrophy. Last evaluated: 2018-01-13. Review status: criteria provided, single submitter. Criteria: ICSL Variant Classification Criteria 13 December 2019. Collection method: clinical testing. Allele origin: germline.
Comment: This variant was observed in the ICSL laboratory as part of a predisposition screen in an ostensibly healthy population. It had not been previously curated by ICSL or reported in the Human Gene Mutation Database (HGMD: prior to June 1st, 2018), and was therefore a candidate for classification through an automated scoring system. Utilizing variant allele frequency, disease prevalence and penetrance estimates, and inheritance mode, an automated score was calculated to assess if this variant is too frequent to cause the disease. Based on the score and internal cut-off values, a variant classified as benign is not then subjected to further curation. The score for this variant resulted in a classification of benign for this disease.

Illumina Laboratory Services, Illumina
Classification: Likely benign for Dilated cardiomyopathy 1G. Last evaluated: 2018-01-13. Review status: criteria provided, single submitter. Criteria: ICSL Variant Classification Criteria 13 December 2019. Collection method: clinical testing. Allele origin: germline.
Comment: This variant was observed in the ICSL laboratory as part of a predisposition screen in an ostensibly healthy population. It had not been previously curated by ICSL or reported in the Human Gene Mutation Database (HGMD: prior to June 1st, 2018), and was therefore a candidate for classification through an automated scoring system. Utilizing variant allele frequency, disease prevalence and penetrance estimates, and inheritance mode, an automated score was calculated to assess if this variant is too frequent to cause the disease. Based on the score and internal cut-off values, a variant classified as likely benign is not then subjected to further curation. The score for this variant resulted in a classification of likely benign for this disease.

Illumina Laboratory Services, Illumina
Classification: Likely benign for Early-onset myopathy with fatal cardiomyopathy. Last evaluated: 2018-01-13. Review status: criteria provided, single submitter. Criteria: ICSL Variant Classification Criteria 13 December 2019. Collection method: clinical testing. Allele origin: germline.
Comment: the same text as in the submission from Illumina Laboratory Services, Illumina above.

Illumina Laboratory Services, Illumina
Classification: Benign for Myopathy, myofibrillar, 9, with early respiratory failure. Last evaluated: 2018-01-13. Review status: criteria provided, single submitter. Criteria: ICSL Variant Classification Criteria 13 December 2019. Collection method: clinical testing. Allele origin: germline.
Comment: the same text as in the submission from Illumina Laboratory Services, Illumina above.

Illumina Laboratory Services, Illumina
Classification: Likely benign for Autosomal recessive limb-girdle muscular dystrophy type 2J. Last evaluated: 2018-01-13. Review status: criteria provided, single submitter. Criteria: ICSL Variant Classification Criteria 13 December 2019. Collection method: clinical testing. Allele origin: germline.
Comment: the same text as in the submission from Illumina Laboratory Services, Illumina above.

GeneDx
Classification: Benign. Last evaluated: 2012-11-28. Review status: criteria provided, single submitter. Criteria: GeneDx Variant Classification (06012015). Collection method: clinical testing. Allele origin: germline. Affected: yes.
Comment: This variant is considered likely benign or benign based on one or more of the following criteria: it is a conservative change, it occurs at a poorly conserved position in the protein, it is predicted to be benign by multiple in silico algorithms, and/or has population frequency not consistent with disease.

Laboratory for Molecular Medicine, Mass General Brigham Personalized Medicine
Classification: Benign. Last evaluated: 2012-01-09. Review status: criteria provided, single submitter. Criteria: LMM Criteria. Collection method: clinical testing. Allele origin: germline. Observed: 13 variant alleles.

Clinical Genetics DNA and cytogenetics Diagnostics Lab, Erasmus MC, Erasmus Medical Center
Classification: Benign. Review status: no assertion criteria provided. Collection method: clinical testing. Allele origin: germline. Affected: yes. Study: VKGL Data-share Consensus. Not counted in ClinVar's aggregate classification.

Clinical Genetics, Academic Medical Center
Classification: Benign. Review status: no assertion criteria provided. Collection method: clinical testing. Allele origin: germline. Affected: yes. Study: VKGL Data-share Consensus. Not counted in ClinVar's aggregate classification.

NM_001267550.2(TTN):c.24345C>T (p.Ser8115=)

Gene: TTN (titin; minus strand). Cytogenetic location: 2q31.2.
Variant type: single nucleotide variant.
Coding change: c.24345C>T on transcript NM_001267550.2 (MANE Select); coding-DNA position 24345, C replaced by T.
Protein change: p.Ser8115=; no amino-acid change (serine 8115 retained).
Molecular consequence: synonymous variant. On other transcripts: intron variant (3).
Genome position (GRCh38, 1-based): chr2:178,718,855, G>A on the plus strand (C>T on the coding strand, the complement: TTN is on the minus strand). VCF-style: chr2-178718855-G-A. GRCh37 (hg19) VCF-style: chr2-179583582-G-A.
Other names: p.S7798S:AGC>AGT; p.Ser6871=; c.23394C>T, p.Ser7798= (NM_001256850.1); c.20613C>T, p.Ser6871= (NM_133378.4); c.13282+19227C>T (NM_003319.4); c.13858+19227C>T (NM_133437.4); c.13657+19227C>T (NM_133432.3).
Identifiers: ClinVar variation 46730 (VCV000046730.32), dbSNP rs72648977, ClinGen allele CA282877.